The following is an entry in ClinVar:

NM_001267550.2(TTN):c.106750C>G (p.Leu35584Val)

Genes: TTN (titin; minus strand), TTN-AS1 (TTN antisense RNA 1; plus strand). Cytogenetic location: 2q31.2.
Variant type: single nucleotide variant.
Coding change: c.106750C>G on transcript NM_001267550.2 (MANE Select); coding-DNA position 106750, C replaced by G.
Protein change: p.Leu35584Val; replaces leucine 35584 with valine.
Molecular consequence: missense variant.
Genome position (GRCh38, 1-based): chr2:178,529,001, G>C on the plus strand (C>G on the coding strand, the complement: TTN is on the minus strand). VCF-style: chr2-178529001-G-C. GRCh37 (hg19) VCF-style: chr2-179393728-G-C.
Other names: c.101827C>G, p.Leu33943Val (NM_001256850.1); c.79555C>G, p.Leu26519Val (NM_003319.4); c.99046C>G, p.Leu33016Val (NM_133378.4); c.79930C>G, p.Leu26644Val (NM_133432.3); c.80131C>G, p.Leu26711Val (NM_133437.4); short protein forms L26519V, L26644V, L26711V, L33016V, L33943V, L35584V.
Identifiers: ClinVar variation 3902173 (VCV003902173.1).
Genomic context (GRCh38, chr2:178,529,001, plus strand): 5'-TGACTTCTTCTGATGCCTGTGATGTTTTAGTGATTTCCTCATGGACAATGGATTTTTCCA[G>C]GGAGGTTGCTGCTGATTTCTTGACTTCTTCAGAAATCAGAACCTTTGAAGCTTCCTCTTT-3'
Protein context (NP_001254479.2, residues 35574-35594): EEVKKSAATS[Leu35584Val]EKSIVHEEIT

ClinVar aggregate classification (germline): Uncertain significance (1 of 4 stars; one submission).

Submission:

Women's Health and Genetics/Laboratory Corporation of America, LabCorp
Classification: Uncertain significance. Last evaluated: 2025-05-16. Review status: criteria provided, single submitter. Criteria: LabCorp Variant Classification Summary - May 2015. Collection method: clinical testing. Allele origin: germline.
Comment: Variant summary: TTN c.99046C>G (p.Leu33016Val) results in a conservative amino acid change in the encoded protein sequence. Algorithms developed to predict the effect of missense changes on protein structure and function all suggest that this variant is likely to be tolerated. The variant was absent in 249078 control chromosomes. The available data on variant occurrences in the general population are insufficient to allow any conclusion about variant significance. To our knowledge, no occurrence of c.99046C>G in individuals affected with TTN-related conditions and no experimental evidence demonstrating its impact on protein function have been reported. No submitters have cited clinical-significance assessments for this variant to ClinVar. Based on the evidence outlined above, the variant was classified as uncertain significance.